The following is an entry in ClinVar:

NM_001358921.2(COQ2):c.951+153C>T

Gene: COQ2 (coenzyme Q2, polyprenyltransferase; minus strand). Cytogenetic location: 4q21.23.
Variant type: single nucleotide variant.
Coding change: c.951+153C>T on transcript NM_001358921.2 (MANE Select); 153 bases into the intron after coding-DNA position 951, C replaced by T.
Molecular consequence: intron variant.
Genome position (GRCh38, 1-based): chr4:83,267,433, G>A on the plus strand (C>T on the coding strand, the complement: COQ2 is on the minus strand). VCF-style: chr4-83267433-G-A. GRCh37 (hg19) VCF-style: chr4-84188586-G-A.
Other names: c.1101+153C>T (NM_015697.9).
Identifiers: ClinVar variation 671316 (VCV000671316.1), dbSNP rs56127236, ClinGen allele CA11755083.

ClinVar aggregate classification (germline): Likely benign (1 of 4 stars; one submission).

Allele frequency attached by ClinVar (database versions not stated): 1000 Genomes Project 0.01837; 1000 Genomes Project 30x 0.02092; gnomAD 0.02514 and 0.02634; TOPMed 0.02754.
gnomAD v4.1: 3,855 of 152,244 alleles (2.5%); highest among the groups gnomAD compares: African/African-American, 3.7%; 57 homozygotes.

Submission:

GeneDx
Classification: Likely benign. Last evaluated: 2018-06-14. Review status: criteria provided, single submitter. Criteria: GeneDx Variant Classification (06012015). Collection method: clinical testing. Allele origin: germline. Affected: yes.
Comment: This variant is considered likely benign or benign based on one or more of the following criteria: it is a conservative change, it occurs at a poorly conserved position in the protein, it is predicted to be benign by multiple in silico algorithms, and/or has population frequency not consistent with disease.